The following is an entry in ClinVar:

NM_031885.5(BBS2):c.805-9T>C

Gene: BBS2 (Bardet-Biedl syndrome 2; minus strand). Cytogenetic location: 16q13.
Variant type: single nucleotide variant.
Coding change: c.805-9T>C on transcript NM_031885.5 (MANE Select); 9 bases into the intron before coding-DNA position 805, T replaced by C.
Molecular consequence: intron variant.
Genome position (GRCh38, 1-based): chr16:56,502,817, A>G on the plus strand (T>C on the coding strand, the complement: BBS2 is on the minus strand). VCF-style: chr16-56502817-A-G. GRCh37 (hg19) VCF-style: chr16-56536729-A-G.
Other names: c.805-9T>C (NM_001377456.1).
Identifiers: ClinVar variation 3051818 (VCV003051818.2), dbSNP rs2543714365, ClinGen allele CA2633342146.

ClinVar aggregate classification (germline): Likely benign (0 of 4 stars; one submission).

Conditions:
BBS2-related disorder. Also called: BBS2-related disorders; BBS2-related condition. Identifiers: MedGen CN239228.

Allele frequency attached by ClinVar (database versions not stated): gnomAD exomes below 0.00001.
gnomAD v4.1: 1 of 1,614,152 alleles (0.000062%); highest among the groups gnomAD compares: South Asian, 0.0011%; no homozygotes.

Submission:

PreventionGenetics, part of Exact Sciences
Classification: Likely benign for BBS2-related condition. Last evaluated: 2022-12-01. Review status: no assertion criteria provided. Collection method: clinical testing. Allele origin: germline.
Comment: This variant is classified as likely benign based on ACMG/AMP sequence variant interpretation guidelines (Richards et al. 2015 PMID: 25741868, with internal and published modifications).